The following is an entry in ClinVar:

ClinVar aggregate classification (germline): Uncertain significance. Review status: criteria provided, multiple submitters, no conflicts (2 of 4 stars). 2 submissions from 2 submitters: Uncertain significance (2). Last evaluated 2025-09-23.

Conditions:
Hereditary cancer-predisposing syndrome. Also called: Neoplastic Syndromes, Hereditary; Tumor predisposition; Hereditary neoplastic syndrome; Hereditary Cancer Syndrome. Identifiers: Orphanet 140162, MedGen C0027672, MeSH D009386, MONDO:0015356.
Familial meningioma. Also called: Meningioma, familial, susceptibility to. Identifiers: Orphanet 263662, MedGen C3551915, MONDO:0011789, OMIM 607174.

Allele frequency attached by ClinVar (database versions not stated): gnomAD exomes below 0.00001; TOPMed below 0.00001; gnomAD 0.00001.
gnomAD v4.1: 3 of 1,613,644 alleles (0.00019%); highest among the groups gnomAD compares: African/African-American, 0.0027%; no homozygotes.

Submissions (2):

Labcorp Genetics (formerly Invitae), Labcorp
Classification: Uncertain significance for Familial meningioma. Last evaluated: 2025-09-23. Review status: criteria provided, single submitter. Criteria: Invitae Variant Classification Sherloc (09022015). Collection method: clinical testing. Allele origin: germline.
Comment: This sequence change replaces proline, which is neutral and non-polar, with serine, which is neutral and polar, at codon 364 of the SMARCE1 protein (p.Pro364Ser). This variant is present in population databases (no rsID available, gnomAD 0.01%). This variant has not been reported in the literature in individuals affected with SMARCE1-related conditions. ClinVar contains an entry for this variant (Variation ID: 1351233). Invitae Evidence Modeling of protein sequence and biophysical properties (such as structural, functional, and spatial information, amino acid conservation, physicochemical variation, residue mobility, and thermodynamic stability) indicates that this missense variant is not expected to disrupt SMARCE1 protein function with a negative predictive value of 80%. In summary, the available evidence is currently insufficient to determine the role of this variant in disease. Therefore, it has been classified as a Variant of Uncertain Significance.

Ambry Genetics
Classification: Uncertain significance for Hereditary cancer-predisposing syndrome. Last evaluated: 2022-05-23. Review status: criteria provided, single submitter. Criteria: Ambry Variant Classification Scheme 2023. Collection method: clinical testing. Allele origin: germline.
Comment: The p.P364S variant (also known as c.1090C>T), located in coding exon 10 of the SMARCE1 gene, results from a C to T substitution at nucleotide position 1090. The proline at codon 364 is replaced by serine, an amino acid with similar properties. This amino acid position is highly conserved in available vertebrate species. In addition, this alteration is predicted to be tolerated by in silico analysis. Missense and in-frame variants in SMARCE1 are known to cause neurodevelopmental disorders; however, such associations with increased risk of meningiomas are exceedingly rare (Kosho T et al. Am J Med Genet C Semin Med Genet. 2014 Sep;166C(3):262-75; Smith JM et al. Nat Genet. 2013 Mar;45(3):295-8). Based on the supporting evidence, the association of this alteration with of Coffin-Siris syndrome is unknown; however, the association of this alteration with meningiomas is unlikely.

NM_003079.5(SMARCE1):c.1090C>T (p.Pro364Ser)

Gene: SMARCE1 (SWI/SNF related BAF chromatin remodeling complex subunit E1; minus strand). Cytogenetic location: 17q21.2.
Variant type: single nucleotide variant.
Coding change: c.1090C>T on transcript NM_003079.5 (MANE Select); coding-DNA position 1090, C replaced by T.
Protein change: p.Pro364Ser; replaces proline 364 with serine.
Molecular consequence: missense variant.
Genome position (GRCh38, 1-based): chr17:40,628,931, G>A on the plus strand (C>T on the coding strand, the complement: SMARCE1 is on the minus strand). VCF-style: chr17-40628931-G-A. GRCh37 (hg19) VCF-style: chr17-38785183-G-A.
Other names: short protein forms P364S.
Identifiers: ClinVar variation 1351233 (VCV001351233.10), dbSNP rs1205865722, ClinGen allele CA399361481.